The following is an entry in ClinVar:

NM_001035.3(RYR2):c.3598+265A>C

Gene: RYR2 (ryanodine receptor 2; plus strand). Cytogenetic location: 1q43.
Variant type: single nucleotide variant.
Coding change: c.3598+265A>C on transcript NM_001035.3 (MANE Select); 265 bases into the intron after coding-DNA position 3598, A replaced by C.
Molecular consequence: intron variant.
Genome position (GRCh38, 1-based): chr1:237,569,584, A>C. VCF-style: chr1-237569584-A-C. GRCh37 (hg19) VCF-style: chr1-237732884-A-C.
Identifiers: ClinVar variation 672901 (VCV000672901.1), dbSNP rs116428803, ClinGen allele CA39783703.

ClinVar aggregate classification (germline): Likely benign (1 of 4 stars; one submission).

Allele frequency attached by ClinVar (database versions not stated): gnomAD 0.00387 and 0.00418; TOPMed 0.00404; 1000 Genomes Project 0.00419; 1000 Genomes Project 30x 0.00422.
gnomAD v4.1: 583 of 152,322 alleles (0.38%); highest among the groups gnomAD compares: African/African-American, 1.3%; 2 homozygotes.

Submission:

GeneDx
Classification: Likely benign. Last evaluated: 2018-06-14. Review status: criteria provided, single submitter. Criteria: GeneDx Variant Classification (06012015). Collection method: clinical testing. Allele origin: germline. Affected: yes.
Comment: This variant is considered likely benign or benign based on one or more of the following criteria: it is a conservative change, it occurs at a poorly conserved position in the protein, it is predicted to be benign by multiple in silico algorithms, and/or has population frequency not consistent with disease.